The following is an entry in ClinVar:

NM_006206.6(PDGFRA):c.1938G>T (p.Lys646Asn)

Gene: PDGFRA (platelet derived growth factor receptor alpha; plus strand). Cytogenetic location: 4q12.
Variant type: single nucleotide variant.
Coding change: c.1938G>T on transcript NM_006206.6 (MANE Select); coding-DNA position 1938, G replaced by T.
Protein change: p.Lys646Asn; replaces lysine 646 with asparagine.
Molecular consequence: missense variant.
Genome position (GRCh38, 1-based): chr4:54,277,942, G>T. VCF-style: chr4-54277942-G-T. GRCh37 (hg19) VCF-style: chr4-55144109-G-T.
Other names: c.1938G>T, p.Lys646Asn (NM_001347827.2, NM_001347829.2); c.2013G>T, p.Lys671Asn (NM_001347828.2); c.1977G>T, p.Lys659Asn (NM_001347830.2); short protein forms K646N, K671N, K659N.
Identifiers: ClinVar variation 3930208 (VCV003930208.1).

ClinVar aggregate classification (germline): Uncertain significance (1 of 4 stars; one submission).

Conditions:
Hereditary cancer-predisposing syndrome. Also called: Tumor predisposition; Hereditary neoplastic syndrome; Hereditary Cancer Syndrome; Neoplastic Syndromes, Hereditary. Identifiers: Orphanet 140162, MedGen C0027672, MeSH D009386, MONDO:0015356.

Submission:

Ambry Genetics
Classification: Uncertain significance for Hereditary cancer-predisposing syndrome. Last evaluated: 2025-05-09. Review status: criteria provided, single submitter. Criteria: Ambry Variant Classification Scheme 2023. Collection method: clinical testing. Allele origin: germline.
Comment: The p.K646N variant (also known as c.1938G>T), located in coding exon 13 of the PDGFRA gene, results from a G to T substitution at nucleotide position 1938. The lysine at codon 646 is replaced by asparagine, an amino acid with similar properties. This amino acid position is highly conserved in available vertebrate species. In addition, the in silico prediction for this alteration is inconclusive. Based on the available evidence, the clinical significance of this variant remains unclear.